The following is an entry in ClinVar:

NM_000294.3(PHKG2):c.1050C>A (p.Ile350=)

Gene: PHKG2 (phosphorylase kinase catalytic subunit gamma 2; plus strand). Cytogenetic location: 16p11.2.
Variant type: single nucleotide variant.
Coding change: c.1050C>A on transcript NM_000294.3 (MANE Select); coding-DNA position 1050, C replaced by A.
Protein change: p.Ile350=; no amino-acid change (isoleucine 350 retained).
Molecular consequence: synonymous variant.
Genome position (GRCh38, 1-based): chr16:30,756,926, C>A. VCF-style: chr16-30756926-C-A. GRCh37 (hg19) VCF-style: chr16-30768247-C-A.
Other names: c.1050C>A, p.Ile350= (NM_001172432.2); c.1050C>A (NM_000294.2).
Identifiers: ClinVar variation 2171123 (VCV002171123.6), dbSNP rs371914785, ClinGen allele CA8013394.

ClinVar aggregate classification (germline): Likely benign. Review status: criteria provided, single submitter (1 of 4 stars). 2 submissions from 2 submitters: Likely benign (1). 1 of the submissions does not count toward it. Last evaluated 2026-01-29.

Conditions:
PHKG2-related disorder. Also called: PHKG2-related condition.
Glycogen storage disease IXc (GSD9C). Also called: GSD IXc. Identifiers: Orphanet 264580, MedGen C2751643, MONDO:0013091, OMIM 613027.

Submissions (2):

Labcorp Genetics (formerly Invitae), Labcorp
Classification: Likely benign for Glycogen storage disease IXc. Last evaluated: 2026-01-29. Review status: criteria provided, single submitter. Criteria: Invitae Variant Classification Sherloc (09022015). Collection method: clinical testing. Allele origin: germline.

PreventionGenetics, part of Exact Sciences
Classification: Likely benign for PHKG2-related condition. Last evaluated: 2021-12-12. Review status: no assertion criteria provided. Collection method: clinical testing. Allele origin: germline. Not counted in ClinVar's aggregate classification.
Comment: This variant is classified as likely benign based on ACMG/AMP sequence variant interpretation guidelines (Richards et al. 2015 PMID: 25741868, with internal and published modifications).